The following is an entry in ClinVar:

ClinVar aggregate classification (germline): Uncertain significance (1 of 4 stars; one submission).

Conditions:
Inborn genetic diseases. Identifiers: MedGen C0950123, MeSH D030342.

Submission:

Ambry Genetics
Classification: Uncertain significance for Inborn genetic diseases. Last evaluated: 2025-06-25. Review status: criteria provided, single submitter. Criteria: Ambry Variant Classification Scheme 2023. Collection method: clinical testing. Allele origin: germline.
Comment: The p.T30I variant (also known as c.89C>T), located in coding exon 1 of the G6PC3 gene, results from a C to T substitution at nucleotide position 89. The threonine at codon 30 is replaced by isoleucine, an amino acid with similar properties. This amino acid position is conserved. In addition, this alteration is predicted to be deleterious by in silico analysis. Based on the available evidence, the clinical significance of this variant remains unclear.

NM_138387.4(G6PC3):c.89C>T (p.Thr30Ile)

Genes: G6PC3 (glucose-6-phosphatase catalytic subunit 3; plus strand), LOC130060959 (ATAC-STARR-seq lymphoblastoid active region 12250; plus strand). Cytogenetic location: 17q21.31.
Variant type: single nucleotide variant.
Coding change: c.89C>T on transcript NM_138387.4 (MANE Select); coding-DNA position 89, C replaced by T.
Protein change: p.Thr30Ile; replaces threonine 30 with isoleucine.
Molecular consequence: missense variant. On other transcripts: 5 prime UTR variant (3), intron variant (1).
Genome position (GRCh38, 1-based): chr17:44,071,054, C>T. VCF-style: chr17-44071054-C-T. GRCh37 (hg19) VCF-style: chr17-42148422-C-T.
Other names: c.89C>T, p.Thr30Ile (NM_001319945.2); c.-316C>T (NM_001384165.1); c.-451C>T (NM_001384166.1); c.-441C>T (NM_001384167.1); c.-312+340C>T (NM_001384168.1); short protein forms T30I.
Identifiers: ClinVar variation 4260975 (VCV004260975.1).